The following is an entry in ClinVar:

NM_017636.4(TRPM4):c.1551G>A (p.Pro517=)

Gene: TRPM4 (transient receptor potential cation channel subfamily M member 4; plus strand). Cytogenetic location: 19q13.33.
Variant type: single nucleotide variant.
Coding change: c.1551G>A on transcript NM_017636.4 (MANE Select); coding-DNA position 1551, G replaced by A.
Protein change: p.Pro517=; no amino-acid change (proline 517 retained).
Molecular consequence: synonymous variant. On other transcripts: 5 prime UTR variant (1).
Genome position (GRCh38, 1-based): chr19:49,182,865, G>A. VCF-style: chr19-49182865-G-A. GRCh37 (hg19) VCF-style: chr19-49686122-G-A.
Other names: c.1551G>A, p.Pro517= (NM_001195227.2); c.1206G>A, p.Pro402= (NM_001321281.2); c.-3G>A (NM_001321282.2); c.1029G>A, p.Pro343= (NM_001321283.2); c.489G>A, p.Pro163= (NM_001321285.2).
Identifiers: ClinVar variation 3712056 (VCV003712056.2).

ClinVar aggregate classification (germline): Uncertain significance (1 of 4 stars; one submission).

Conditions:
Progressive familial heart block type IB (PFHB1B). Identifiers: Orphanet 871, MedGen C1970298, MONDO:0011474, OMIM 604559.

gnomAD v4.1: 2 of 1,609,190 alleles (0.00012%); highest among the groups gnomAD compares: Non-Finnish European, 0.00017%; no homozygotes.

Submission:

Labcorp Genetics (formerly Invitae), Labcorp
Classification: Uncertain significance for Progressive familial heart block type IB. Last evaluated: 2025-03-30. Review status: criteria provided, single submitter. Criteria: Invitae Variant Classification Sherloc (09022015). Collection method: clinical testing. Allele origin: germline.
Comment: This sequence change affects codon 517 of the TRPM4 mRNA. It is a 'silent' change, meaning that it does not change the encoded amino acid sequence of the TRPM4 protein. This variant is not present in population databases (gnomAD no frequency). This variant has not been reported in the literature in individuals affected with TRPM4-related conditions. Algorithms developed to predict the effect of sequence changes on RNA splicing suggest that this variant may disrupt the consensus splice site. In summary, the available evidence is currently insufficient to determine the role of this variant in disease. Therefore, it has been classified as a Variant of Uncertain Significance.